The following is an entry in ClinVar:

ClinVar aggregate classification (germline): Uncertain significance. Review status: criteria provided, multiple submitters, no conflicts (2 of 4 stars). 2 submissions from 2 submitters: Uncertain significance (2). Last evaluated 2025-07-15.

Submissions (2):

GeneDx
Classification: Uncertain significance. Last evaluated: 2025-07-15. Review status: criteria provided, single submitter. Criteria: GeneDx Variant Classification Process June 2021. Collection method: clinical testing. Allele origin: germline.
Comment: Not observed at significant frequency in large population cohorts (gnomAD); In silico analysis suggests that this missense variant does not alter protein structure/function; Has not been previously published as pathogenic or benign to our knowledge

Labcorp Genetics (formerly Invitae), Labcorp
Classification: Uncertain significance. Last evaluated: 2022-03-31. Review status: criteria provided, single submitter. Criteria: Invitae Variant Classification Sherloc (09022015). Collection method: clinical testing. Allele origin: germline.
Comment: This variant is not present in population databases (gnomAD no frequency). In summary, the available evidence is currently insufficient to determine the role of this variant in disease. Therefore, it has been classified as a Variant of Uncertain Significance. Algorithms developed to predict the effect of missense changes on protein structure and function (SIFT, PolyPhen-2, Align-GVGD) all suggest that this variant is likely to be tolerated. This variant has not been reported in the literature in individuals affected with APC2-related conditions. This sequence change replaces serine, which is neutral and polar, with asparagine, which is neutral and polar, at codon 1618 of the APC2 protein (p.Ser1618Asn).

NM_005883.3(APC2):c.4853G>A (p.Ser1618Asn)

Gene: APC2 (APC regulator of Wnt signaling pathway 2; plus strand). Cytogenetic location: 19p13.3.
Variant type: single nucleotide variant.
Coding change: c.4853G>A on transcript NM_005883.3 (MANE Select); coding-DNA position 4853, G replaced by A.
Protein change: p.Ser1618Asn; replaces serine 1618 with asparagine.
Molecular consequence: missense variant.
Genome position (GRCh38, 1-based): chr19:1,468,154, G>A. VCF-style: chr19-1468154-G-A. GRCh37 (hg19) VCF-style: chr19-1468153-G-A.
Other names: c.4850G>A, p.Ser1617Asn (NM_001351273.1); short protein forms S1617N, S1618N.
Identifiers: ClinVar variation 1804545 (VCV001804545.6), dbSNP rs754183666, ClinGen allele CA403038572.